The following is an entry in ClinVar:

NC_000018.9:g.(?_7043206)_(7043424_?)del

Gene: LAMA1 (laminin subunit alpha 1; minus strand). Cytogenetic location: 18p11.31.
Variant type: Deletion.
Identifiers: ClinVar variation 3242793 (VCV003242793.1).

ClinVar aggregate classification (germline): Pathogenic (1 of 4 stars; one submission).

Submission:

Labcorp Genetics (formerly Invitae), Labcorp
Classification: Pathogenic. Last evaluated: 2023-03-13. Review status: criteria provided, single submitter. Criteria: Invitae Variant Classification Sherloc (09022015). Collection method: clinical testing. Allele origin: unknown.
Comment: For these reasons, this variant has been classified as Pathogenic. This variant has not been reported in the literature in individuals affected with LAMA1-related conditions. This variant is a gross deletion of the genomic region encompassing exon(s) 8 of the LAMA1 gene. This deletion is out-of-frame, and is expected to create a premature termination codon and result in an absent or disrupted protein product. Loss-of-function variants in LAMA1 are known to be pathogenic (PMID: 25105227, 26932191).

Literature cited by the submitters: PubMed 25105227; PubMed 26932191.